The following is an entry in ClinVar:

NM_024529.5(CDC73):c.1025G>A (p.Arg342Lys)

Gene: CDC73 (cell division cycle 73; plus strand). Cytogenetic location: 1q31.2.
Variant type: single nucleotide variant.
Coding change: c.1025G>A on transcript NM_024529.5 (MANE Select); coding-DNA position 1025, G replaced by A.
Protein change: p.Arg342Lys; replaces arginine 342 with lysine.
Molecular consequence: missense variant.
Genome position (GRCh38, 1-based): chr1:193,203,847, G>A. VCF-style: chr1-193203847-G-A. GRCh37 (hg19) VCF-style: chr1-193172977-G-A.
Other names: short protein forms R342K.
Identifiers: ClinVar variation 3658068 (VCV003658068.3).

ClinVar aggregate classification (germline): Uncertain significance. Review status: criteria provided, multiple submitters, no conflicts (2 of 4 stars). 2 submissions from 2 submitters: Uncertain significance (2). Last evaluated 2025-11-18.

Conditions:
Hereditary cancer-predisposing syndrome. Also called: Hereditary Cancer Syndrome; Tumor predisposition; Hereditary neoplastic syndrome; Neoplastic Syndromes, Hereditary. Identifiers: Orphanet 140162, MedGen C0027672, MeSH D009386, MONDO:0015356.
Parathyroid carcinoma (PRTC). Also called: CDC73-Related Parathyroid Carcinoma; Parathyroid gland carcinoma. Identifiers: Orphanet 143, MedGen C0687150, MONDO:0012004, OMIM 608266, HP:0006780.

gnomAD v4.1: 1 of 1,613,546 alleles (0.000062%); highest among the groups gnomAD compares: Admixed American, 0.0017%; no homozygotes.

Submissions (2):

Ambry Genetics
Classification: Uncertain significance for Hereditary cancer-predisposing syndrome. Last evaluated: 2025-11-18. Review status: criteria provided, single submitter. Criteria: Ambry Variant Classification Scheme 2023. Collection method: clinical testing. Allele origin: germline.
Comment: The p.R342K variant (also known as c.1025G>A), located in coding exon 11 of the CDC73 gene, results from a G to A substitution at nucleotide position 1025. The arginine at codon 342 is replaced by lysine, an amino acid with highly similar properties. This amino acid position is conserved. In addition, this alteration is predicted to be tolerated by in silico analysis. Based on the available evidence, the clinical significance of this variant remains unclear.

Labcorp Genetics (formerly Invitae), Labcorp
Classification: Uncertain significance for Parathyroid carcinoma. Last evaluated: 2024-06-28. Review status: criteria provided, single submitter. Criteria: Invitae Variant Classification Sherloc (09022015). Collection method: clinical testing. Allele origin: germline.
Comment: This sequence change replaces arginine, which is basic and polar, with lysine, which is basic and polar, at codon 342 of the CDC73 protein (p.Arg342Lys). This variant is not present in population databases (gnomAD no frequency). This variant has not been reported in the literature in individuals affected with CDC73-related conditions. Advanced modeling of protein sequence and biophysical properties (such as structural, functional, and spatial information, amino acid conservation, physicochemical variation, residue mobility, and thermodynamic stability) performed at Invitae indicates that this missense variant is not expected to disrupt CDC73 protein function with a negative predictive value of 80%. In summary, the available evidence is currently insufficient to determine the role of this variant in disease. Therefore, it has been classified as a Variant of Uncertain Significance.